The following is an entry in ClinVar:

NM_015164.4(PLEKHM2):c.2303C>T (p.Pro768Leu)

Gene: PLEKHM2 (pleckstrin homology and RUN domain containing M2; plus strand). Cytogenetic location: 1p36.21.
Variant type: single nucleotide variant.
Coding change: c.2303C>T on transcript NM_015164.4 (MANE Select); coding-DNA position 2303, C replaced by T.
Protein change: p.Pro768Leu; replaces proline 768 with leucine.
Molecular consequence: missense variant.
Genome position (GRCh38, 1-based): chr1:15,730,626, C>T. VCF-style: chr1-15730626-C-T. GRCh37 (hg19) VCF-style: chr1-16057121-C-T.
Other names: c.2243C>T, p.Pro748Leu (NM_001410755.1); short protein forms P748L, P768L.
Identifiers: ClinVar variation 2813599 (VCV002813599.3), dbSNP rs755489854, ClinGen allele CA617210.

ClinVar aggregate classification (germline): Uncertain significance (1 of 4 stars; one submission).

Allele frequency attached by ClinVar (database versions not stated): ExAC 0.00001.

Submission:

Labcorp Genetics (formerly Invitae), Labcorp
Classification: Uncertain significance. Last evaluated: 2024-12-20. Review status: criteria provided, single submitter. Criteria: Invitae Variant Classification Sherloc (09022015). Collection method: clinical testing. Allele origin: germline.
Comment: This sequence change replaces proline, which is neutral and non-polar, with leucine, which is neutral and non-polar, at codon 768 of the PLEKHM2 protein (p.Pro768Leu). The frequency data for this variant in the population databases is considered unreliable, as metrics indicate poor data quality at this position in the gnomAD database. This variant has not been reported in the literature in individuals affected with PLEKHM2-related conditions. ClinVar contains an entry for this variant (Variation ID: 2813599). An algorithm developed to predict the effect of missense changes on protein structure and function outputs the following: PolyPhen-2: "Benign". The leucine amino acid residue is found in multiple mammalian species, which suggests that this missense change does not adversely affect protein function. In summary, the available evidence is currently insufficient to determine the role of this variant in disease. Therefore, it has been classified as a Variant of Uncertain Significance.